The following is an entry in ClinVar:

ClinVar aggregate classification (germline): Uncertain significance. Review status: criteria provided, multiple submitters, no conflicts (2 of 4 stars). 2 submissions from 2 submitters: Uncertain significance (2). Last evaluated 2023-12-15.

Conditions:
Spermatogenic failure 18. Identifiers: MedGen C4539783, MONDO:0054615, OMIM 617576.
Ciliary dyskinesia, primary, 37 (CILD37). Also called: CILIARY DYSKINESIA, PRIMARY, 37, WITH OR WITHOUT SITUS INVERSUS. Identifiers: MedGen C4539798, MONDO:0033204, OMIM 617577.

Allele frequency attached by ClinVar (database versions not stated): gnomAD 0.00001; TOPMed 0.00001; ExAC 0.00002.
gnomAD v4.1: 2 of 1,603,318 alleles (0.00012%); highest among the groups gnomAD compares: African/African-American, 0.0013%; no homozygotes.

Submissions (2):

Ambry Genetics
Classification: Uncertain significance. Last evaluated: 2023-12-15. Review status: criteria provided, single submitter. Criteria: Ambry Variant Classification Scheme 2023. Collection method: clinical testing. Allele origin: germline.

Labcorp Genetics (formerly Invitae), Labcorp
Classification: Uncertain significance for Ciliary dyskinesia, primary, 37; Spermatogenic failure 18. Last evaluated: 2022-03-18. Review status: criteria provided, single submitter. Criteria: Invitae Variant Classification Sherloc (09022015). Collection method: clinical testing. Allele origin: germline.
Comment: This sequence change replaces alanine, which is neutral and non-polar, with proline, which is neutral and non-polar, at codon 2725 of the DNAH1 protein (p.Ala2725Pro). This variant is present in population databases (rs764020185, gnomAD 0.01%). This variant has not been reported in the literature in individuals affected with DNAH1-related conditions. Algorithms developed to predict the effect of missense changes on protein structure and function are either unavailable or do not agree on the potential impact of this missense change (SIFT: "Deleterious"; PolyPhen-2: "Possibly Damaging"; Align-GVGD: "Class C0"). In summary, the available evidence is currently insufficient to determine the role of this variant in disease. Therefore, it has been classified as a Variant of Uncertain Significance.

NM_015512.5(DNAH1):c.8173G>C (p.Ala2725Pro)

Gene: DNAH1 (dynein axonemal heavy chain 1; plus strand). Cytogenetic location: 3p21.1.
Variant type: single nucleotide variant.
Coding change: c.8173G>C on transcript NM_015512.5 (MANE Select); coding-DNA position 8173, G replaced by C.
Protein change: p.Ala2725Pro; replaces alanine 2725 with proline.
Molecular consequence: missense variant.
Genome position (GRCh38, 1-based): chr3:52,383,882, G>C. VCF-style: chr3-52383882-G-C. GRCh37 (hg19) VCF-style: chr3-52417898-G-C.
Other names: c.8173G>C (NM_015512.4); short protein forms A2725P.
Identifiers: ClinVar variation 2198531 (VCV002198531.2), dbSNP rs764020185, ClinGen allele CA2435129.